The following is an entry in ClinVar:

NM_001715.3(BLK):c.1408G>A (p.Ala470Thr)

Gene: BLK (BLK proto-oncogene, Src family tyrosine kinase). Cytogenetic location: 8p23.1.
Variant type: single nucleotide variant.
Coding change: c.1408G>A on transcript NM_001715.3 (MANE Select); coding-DNA position 1408, G replaced by A.
Protein change: p.Ala470Thr; replaces alanine 470 with threonine.
Molecular consequence: missense variant.
Genome position (GRCh38, 1-based): chr8:11,563,998, G>A. VCF-style: chr8-11563998-G-A. GRCh37 (hg19) VCF-style: chr8-11421507-G-A.
Other names: c.1195G>A, p.Ala399Thr (NM_001330465.2); short protein forms A399T, A470T.
Identifiers: ClinVar variation 2715555 (VCV002715555.3), dbSNP rs772111389, ClinGen allele CA4630515.

ClinVar aggregate classification (germline): Uncertain significance (1 of 4 stars; one submission).

Allele frequency attached by ClinVar (database versions not stated): ExAC 0.00001.
gnomAD v4.1: 50 of 1,605,484 alleles (0.0031%); highest among the groups gnomAD compares: Non-Finnish European, 0.0039%; no homozygotes.

Submission:

Labcorp Genetics (formerly Invitae), Labcorp
Classification: Uncertain significance. Last evaluated: 2023-12-26. Review status: criteria provided, single submitter. Criteria: Invitae Variant Classification Sherloc (09022015). Collection method: clinical testing. Allele origin: germline.
Comment: This sequence change replaces alanine, which is neutral and non-polar, with threonine, which is neutral and polar, at codon 470 of the BLK protein (p.Ala470Thr). The frequency data for this variant in the population databases is considered unreliable, as metrics indicate poor data quality at this position in the gnomAD database. This variant has not been reported in the literature in individuals affected with BLK-related conditions. Algorithms developed to predict the effect of missense changes on protein structure and function output the following: SIFT: "Not Available"; PolyPhen-2: "Benign"; Align-GVGD: "Not Available". The threonine amino acid residue is found in multiple mammalian species, which suggests that this missense change does not adversely affect protein function. In summary, the available evidence is currently insufficient to determine the role of this variant in disease. Therefore, it has been classified as a Variant of Uncertain Significance.